The following is an entry in ClinVar:

NM_000127.3(EXT1):c.1014T>G (p.Arg338=)

Gene: EXT1 (exostosin glycosyltransferase 1; minus strand). Cytogenetic location: 8q24.11.
Variant type: single nucleotide variant.
Coding change: c.1014T>G on transcript NM_000127.3 (MANE Select); coding-DNA position 1014, T replaced by G.
Protein change: p.Arg338=; no amino-acid change (arginine 338 retained).
Molecular consequence: synonymous variant.
Genome position (GRCh38, 1-based): chr8:117,837,150, A>C on the plus strand (T>G on the coding strand, the complement: EXT1 is on the minus strand). VCF-style: chr8-117837150-A-C. GRCh37 (hg19) VCF-style: chr8-118849389-A-C.
Other names: c.1014T>G (NM_000127.2).
Identifiers: ClinVar variation 1102300 (VCV001102300.12), dbSNP rs750458103, ClinGen allele CA4854267.
Genomic context (GRCh38, chr8:117,837,150, plus strand): 5'-GGCTCCAGGGCCTCTTACCTGCAAAGCCTCCAGGAATCTGAAGGACCCAAGCCTGCGACC[A>C]CGAGGAACCAGACAGAAAGTGGCATTGTGCAGCATTTCCCGATAATCATACCTAGAAAGA-3'
Protein context (NP_000118.2, residues 328-348): LHNATFCLVP[Arg338=]GRRLGSFRFL

ClinVar aggregate classification (germline): Likely benign. Review status: criteria provided, single submitter (1 of 4 stars). 2 submissions from 2 submitters: Likely benign (1). 1 of the submissions does not count toward it. Last evaluated 2025-02-18.

Conditions:
Multiple congenital exostosis (EXT). Also called: Hereditary multiple osteochondromas; Hereditary multiple exostoses; Hereditary multiple exostosis; Multiple osteochondromas; Multiple exostoses; MULTIPLE CARTILAGINOUS EXOSTOSES. Identifiers: Orphanet 321, MedGen C0015306, MONDO:0005508, HP:0002762.
EXT1-related disorder. Also called: EXT1-related condition.

Allele frequency attached by ClinVar (database versions not stated): gnomAD 0.00001; gnomAD exomes 0.00001 and 0.00002; ExAC 0.00002; TOPMed 0.00002.
gnomAD v4.1: 14 of 1,613,946 alleles (0.00087%); highest among the groups gnomAD compares: Non-Finnish European, 0.001%; no homozygotes.

Submissions (2):

Labcorp Genetics (formerly Invitae), Labcorp
Classification: Likely benign for Multiple congenital exostosis. Last evaluated: 2025-02-18. Review status: criteria provided, single submitter. Criteria: Invitae Variant Classification Sherloc (09022015). Collection method: clinical testing. Allele origin: germline.

PreventionGenetics, part of Exact Sciences
Classification: Likely benign for EXT1-related condition. Last evaluated: 2023-10-06. Review status: no assertion criteria provided. Collection method: clinical testing. Allele origin: germline. Not counted in ClinVar's aggregate classification.
Comment: This variant is classified as likely benign based on ACMG/AMP sequence variant interpretation guidelines (Richards et al. 2015 PMID: 25741868, with internal and published modifications).